The following is an entry in ClinVar:

ClinVar aggregate classification (germline): Uncertain significance. Review status: criteria provided, multiple submitters, no conflicts (2 of 4 stars). 4 submissions from 4 submitters: Uncertain significance (3). 1 of the submissions does not count toward it. Last evaluated 2025-12-19.

Conditions:
Cardiovascular phenotype. Identifiers: MedGen CN230736.
Cardiomyopathy (CMYO). Also called: Cardiomyopathies. Identifiers: Orphanet 167848, MedGen C0878544, MONDO:0004994, HP:0001638. Inheritance: Various modes of inheritance.
Becker muscular dystrophy (BMD). Also called: MUSCULAR DYSTROPHY, PSEUDOHYPERTROPHIC PROGRESSIVE, BECKER TYPE; Becker Muscular Dystrophy (BMD). Identifiers: Orphanet 98895, MedGen C0917713, MONDO:0010311, OMIM 300376.
Duchenne muscular dystrophy (DMD). Also called: Duchenne Muscular Dystrophy (DMD); MUSCULAR DYSTROPHY, PSEUDOHYPERTROPHIC PROGRESSIVE, DUCHENNE TYPE. Identifiers: Orphanet 98896, MedGen C0013264, MONDO:0010679, OMIM 310200.
Dystrophin deficiency.

Allele frequency attached by ClinVar (database versions not stated): gnomAD exomes 0.00001.
gnomAD v4.1: 8 of 1,211,426 alleles (0.00066%); highest among the groups gnomAD compares: Non-Finnish European, 0.00078%; no homozygotes.

Submissions (4):

Ambry Genetics
Classification: Uncertain significance for Cardiovascular phenotype. Last evaluated: 2025-12-19. Review status: criteria provided, single submitter. Criteria: Ambry Variant Classification Scheme 2023. Collection method: clinical testing. Allele origin: germline.
Comment: The p.E1934V variant (also known as c.5801A>T), located in coding exon 41 of the DMD gene, results from an A to T substitution at nucleotide position 5801. The glutamic acid at codon 1934 is replaced by valine, an amino acid with dissimilar properties. This amino acid position is conserved. In addition, this alteration is predicted to be tolerated by in silico analysis. Based on the available evidence, the clinical significance of this variant remains unclear.

Labcorp Genetics (formerly Invitae), Labcorp
Classification: Uncertain significance for Duchenne muscular dystrophy. Last evaluated: 2022-05-12. Review status: criteria provided, single submitter. Criteria: Invitae Variant Classification Sherloc (09022015). Collection method: clinical testing. Allele origin: germline.
Comment: This sequence change replaces glutamic acid, which is acidic and polar, with valine, which is neutral and non-polar, at codon 1934 of the DMD protein (p.Glu1934Val). This variant is not present in population databases (gnomAD no frequency). This variant has not been reported in the literature in individuals affected with DMD-related conditions. ClinVar contains an entry for this variant (Variation ID: 239609). Algorithms developed to predict the effect of missense changes on protein structure and function are either unavailable or do not agree on the potential impact of this missense change (SIFT: "Deleterious"; PolyPhen-2: "Possibly Damaging"; Align-GVGD: "Class C0"). In summary, the available evidence is currently insufficient to determine the role of this variant in disease. Therefore, it has been classified as a Variant of Uncertain Significance.

Breakthrough Genomics
Classification: Uncertain significance. Review status: criteria provided, single submitter. Criteria: ACMG Guidelines, 2015. Collection method: not provided. Allele origin: germline. Inheritance: X-linked inheritance. Affected: yes.

Natera, Inc.
Classification: Uncertain significance for Becker muscular dystrophy; Cardiomyopathy; Duchenne muscular dystrophy; Dystrophin deficiency. Last evaluated: 2019-08-29. Review status: no assertion criteria provided. Collection method: clinical testing. Allele origin: germline. Not counted in ClinVar's aggregate classification.

NM_004006.3(DMD):c.5801A>T (p.Glu1934Val)

Gene: DMD (dystrophin; minus strand). Cytogenetic location: Xp21.1.
Variant type: single nucleotide variant.
Coding change: c.5801A>T on transcript NM_004006.3 (MANE Select); coding-DNA position 5801, A replaced by T.
Protein change: p.Glu1934Val; replaces glutamic acid 1934 with valine.
Molecular consequence: missense variant.
Genome position (GRCh38, 1-based): chrX:32,342,221, T>A on the plus strand (A>T on the coding strand, the complement: DMD is on the minus strand). VCF-style: chrX-32342221-T-A. GRCh37 (hg19) VCF-style: chrX-32360338-T-A.
Other names: c.5777A>T, p.Glu1926Val (NM_000109.4); c.5789A>T, p.Glu1930Val (NM_004009.3); c.5432A>T, p.Glu1811Val (NM_004010.3); c.1778A>T, p.Glu593Val (NM_004011.4); c.1769A>T, p.Glu590Val (NM_004012.4); short protein forms E1934V, E1930V, E593V, E1926V, E590V, E1811V.
Identifiers: ClinVar variation 239609 (VCV000239609.9), dbSNP rs878854620, ClinGen allele CA10583944.